The following is an entry in ClinVar:

ClinVar aggregate classification (germline): Likely benign. Review status: criteria provided, multiple submitters, no conflicts (2 of 4 stars). 3 submissions from 3 submitters: Likely benign (3). Last evaluated 2024-08-01.

Conditions:
Juvenile polyposis syndrome (JPS). Identifiers: Orphanet 2929, MedGen C0345893, MONDO:0017380, OMIM 174900.

Submissions (3):

Myriad Genetics, Inc.
Classification: Likely benign for Juvenile polyposis syndrome. Last evaluated: 2024-08-01. Review status: criteria provided, single submitter. Criteria: Myriad Autosomal Dominant, Autosomal Recessive and X-Linked Classification Criteria (2023). Collection method: clinical testing. Allele origin: unknown.
Comment: This variant is considered likely benign. This variant is intronic and is not expected to impact mRNA splicing.

All of Us Research Program, National Institutes of Health
Classification: Likely benign for Juvenile polyposis syndrome. Last evaluated: 2023-06-08. Review status: criteria provided, single submitter. Criteria: ACMG Guidelines, 2015. Collection method: clinical testing. Allele origin: germline. Inheritance: Autosomal dominant inheritance. Observed: 1 variant allele, 1 heterozygote.
Comment: This study involves interpretation of variants in research participants for the purpose of population health screening. Participant phenotype was not available at the time of variant classification. Additional details can be found in publication PMID: 35346344, PMCID: PMC8962531

Labcorp Genetics (formerly Invitae), Labcorp
Classification: Likely benign for Juvenile polyposis syndrome. Last evaluated: 2022-10-05. Review status: criteria provided, single submitter. Criteria: Invitae Variant Classification Sherloc (09022015). Collection method: clinical testing. Allele origin: germline.

NM_004329.3(BMPR1A):c.530+7_530+9del

Gene: BMPR1A (bone morphogenetic protein receptor type 1A; plus strand). Cytogenetic location: 10q23.2.
Variant type: Microsatellite.
Coding change: c.530+7_530+9del on transcript NM_004329.3 (MANE Select); bases 7 to 9 of the intron after coding-DNA position 530, 3 bases deleted (AGA; older notation c.530+7_530+9delAGA).
Molecular consequence: intron variant.
Genome position (GRCh38, 1-based): chr10:86,900,133-86,900,135, AGA deleted; deleting any 3 consecutive bases within chr10:86,900,129-86,900,135 gives the same sequence; the c. name uses the placement nearest the transcript's 3' end. VCF-style (leftmost placement, unchanged base first): chr10-86900128-TAAG-T. GRCh37 (hg19) VCF-style: chr10-88659885-TAAG-T.
Identifiers: ClinVar variation 1582787 (VCV001582787.10), dbSNP rs2133458177, ClinGen allele CA2580615538.
Genomic context (GRCh38, chr10:86,900,128, plus strand): 5'-ATTTCTATGGCTGTCTGCATAATTGCTATGATCATCTTCTCCAGCTGCTTTTGTTACAAG[TAAG>T]AAGATATTTATTTTGAAGCAAAATATTTTGTCAAATATTAGATGTCAACCGCTGTTTGTA-3'